The following is an entry in ClinVar:

NM_001378778.1(MPDZ):c.1033A>G (p.Thr345Ala)

Gene: MPDZ (multiple PDZ domain crumbs cell polarity complex component; minus strand). Cytogenetic location: 9p23.
Variant type: single nucleotide variant.
Coding change: c.1033A>G on transcript NM_001378778.1 (MANE Select); coding-DNA position 1033, A replaced by G.
Protein change: p.Thr345Ala; replaces threonine 345 with alanine.
Molecular consequence: missense variant.
Genome position (GRCh38, 1-based): chr9:13,219,612, T>C on the plus strand (A>G on the coding strand, the complement: MPDZ is on the minus strand). VCF-style: chr9-13219612-T-C. GRCh37 (hg19) VCF-style: chr9-13219611-T-C.
Other names: c.1033A>G, p.Thr345Ala (NM_001261406.2, NM_001261407.2, NM_001330637.2 and 14 more transcripts); short protein forms T345A.
Identifiers: ClinVar variation 1468379 (VCV001468379.6), dbSNP rs754109507, ClinGen allele CA4987936.

ClinVar aggregate classification (germline): Uncertain significance (1 of 4 stars; one submission).

Allele frequency attached by ClinVar (database versions not stated): gnomAD exomes below 0.00001; ExAC 0.00001; gnomAD 0.00001; TOPMed 0.00001.

Submission:

Labcorp Genetics (formerly Invitae), Labcorp
Classification: Uncertain significance. Last evaluated: 2025-02-24. Review status: criteria provided, single submitter. Criteria: Invitae Variant Classification Sherloc (09022015). Collection method: clinical testing. Allele origin: germline.
Comment: This sequence change replaces threonine, which is neutral and polar, with alanine, which is neutral and non-polar, at codon 345 of the MPDZ protein (p.Thr345Ala). This variant is present in population databases (rs754109507, gnomAD 0.008%). This variant has not been reported in the literature in individuals affected with MPDZ-related conditions. ClinVar contains an entry for this variant (Variation ID: 1468379). An algorithm developed to predict the effect of missense changes on protein structure and function outputs the following: PolyPhen-2: "Benign". The alanine amino acid residue is found in multiple mammalian species, which suggests that this missense change does not adversely affect protein function. In summary, the available evidence is currently insufficient to determine the role of this variant in disease. Therefore, it has been classified as a Variant of Uncertain Significance.